The following is an entry in ClinVar:

Conditions:
Long QT syndrome 5 (LQT5). Identifiers: Orphanet 101016, Orphanet 768, MedGen C1867904, MONDO:0013372, OMIM 613695.

Submission:

Roden Lab, Vanderbilt University Medical Center
No classification provided (evidence only). Condition: Long QT syndrome 5. Review status: no classification provided. Collection method: in vitro. Allele origin: not applicable. Functional consequence: Effect on ion channel function.
ClinVar note: "not provided" was previously submitted as the classification for the variant. However, the classification appeared to be based only on an observation of functional data so it was converted to no classification on 2025-07-30.

NM_000219.6(KCNE1):c.32C>T (p.Pro11Leu)

Gene: KCNE1 (potassium voltage-gated channel subfamily E regulatory subunit 1; minus strand). Cytogenetic location: 21q22.12.
Variant type: single nucleotide variant.
Coding change: c.32C>T on transcript NM_000219.6 (MANE Select); coding-DNA position 32, C replaced by T.
Protein change: p.Pro11Leu; replaces proline 11 with leucine.
Molecular consequence: missense variant.
Genome position (GRCh38, 1-based): chr21:34,449,603, G>A on the plus strand (C>T on the coding strand, the complement: KCNE1 is on the minus strand). VCF-style: chr21-34449603-G-A. GRCh37 (hg19) VCF-style: chr21-35821901-G-A.
Other names: c.32C>T, p.Pro11Leu (NM_001127668.4, NM_001127669.4, NM_001127670.4 and 4 more transcripts); short protein forms P11L.
Identifiers: ClinVar variation 3374653 (VCV003374653.2).